The following is an entry in ClinVar:

ClinVar aggregate classification (germline): Pathogenic/Likely pathogenic. Review status: criteria provided, multiple submitters, no conflicts (2 of 4 stars). 4 submissions from 4 submitters: Pathogenic (3); Likely pathogenic (1). Last evaluated 2023-08-02.

Conditions:
Hereditary cancer-predisposing syndrome. Also called: Hereditary neoplastic syndrome; Hereditary Cancer Syndrome; Neoplastic Syndromes, Hereditary; Tumor predisposition. Identifiers: Orphanet 140162, MedGen C0027672, MeSH D009386, MONDO:0015356.
Familial cancer of breast. Also called: BREAST CANCER, FAMILIAL; hereditary breast carcinoma; Hereditary breast cancer. Identifiers: Orphanet 227535, MedGen C0346153, MONDO:0016419, OMIM 114480. Disease mechanism: loss of function.

Allele frequency attached by ClinVar (database versions not stated): gnomAD exomes below 0.00001.

Submissions (4):

Labcorp Genetics (formerly Invitae), Labcorp
Classification: Pathogenic for Familial cancer of breast. Last evaluated: 2023-08-02. Review status: criteria provided, single submitter. Criteria: Invitae Variant Classification Sherloc (09022015). Collection method: clinical testing. Allele origin: germline.
Comment: This sequence change creates a premature translational stop signal (p.Phe125Leufs*6) in the CHEK2 gene. It is expected to result in an absent or disrupted protein product. Loss-of-function variants in CHEK2 are known to be pathogenic (PMID: 21876083, 24713400). This variant is present in population databases (no rsID available, gnomAD 0.0009%). This variant has not been reported in the literature in individuals affected with CHEK2-related conditions. ClinVar contains an entry for this variant (Variation ID: 234494). For these reasons, this variant has been classified as Pathogenic.

Ambry Genetics
Classification: Pathogenic for Hereditary cancer-predisposing syndrome. Last evaluated: 2022-12-21. Review status: criteria provided, single submitter. Criteria: Ambry Variant Classification Scheme 2023. Collection method: clinical testing. Allele origin: germline.
Comment: The c.372delC pathogenic mutation, located in coding exon 2 of the CHEK2 gene, results from a deletion of one nucleotide at nucleotide position 372, causing a translational frameshift with a predicted alternate stop codon (p.F125Lfs*6). This alteration has been reported in a commercial laboratory's hereditary cancer multigene panel testing cohort (Sutcliffe EG et al. Cancer Genet, 2020 Aug;246-247:12-17). This variant is considered to be rare based on population cohorts in the Genome Aggregation Database (gnomAD). This alteration is expected to result in loss of function by premature protein truncation or nonsense-mediated mRNA decay. As such, this alteration is interpreted as a disease-causing mutation.

GeneDx
Classification: Pathogenic. Last evaluated: 2019-10-25. Review status: criteria provided, single submitter. Criteria: GeneDx Variant Classification Process June 2021. Collection method: clinical testing. Allele origin: germline. Affected: yes.
Comment: Frameshift variant predicted to result in protein truncation or nonsense mediated decay in a gene for which loss-of-function is a known mechanism of disease; Not observed at a significant frequency in large population cohorts (Lek 2016); Has not been previously published as pathogenic or benign to our knowledge; This variant is associated with the following publications: (PMID: 29922827)

Quest Diagnostics Nichols Institute San Juan Capistrano
Classification: Likely pathogenic. Last evaluated: 2018-09-04. Review status: criteria provided, single submitter. Criteria: Quest Diagnostics criteria. Collection method: clinical testing. Allele origin: germline.
Comment: The variant results in a shift of the reading frame, and is therefore predicted to significantly disrupt the protein structure. The best available variant frequency is uninformative.

Literature cited by the submitters: PubMed 21876083 (cited by Labcorp Genetics (formerly Invitae), Labcorp); PubMed 24713400 (cited by Labcorp Genetics (formerly Invitae), Labcorp); PubMed 32805687 (cited by Ambry Genetics); PubMed 29922827 (cited by Quest Diagnostics Nichols Institute San Juan Capistrano).

NM_007194.4(CHEK2):c.372del (p.Phe125fs)

Gene: CHEK2 (checkpoint kinase 2; minus strand). Cytogenetic location: 22q12.1.
Variant type: Deletion.
Coding change: c.372del on transcript NM_007194.4 (MANE Select); coding-DNA position 372, one base deleted (C; older notation c.372delC).
Protein change: p.Phe125fs; shifts the reading frame from phenylalanine 125.
Molecular consequence: frameshift variant.
Genome position (GRCh38, 1-based): chr22:28,725,315, G deleted on the plus strand (C on the coding strand, the reverse complement: CHEK2 is on the minus strand). VCF-style (leftmost placement, unchanged base first): chr22-28725314-AG-A. GRCh37 (hg19) VCF-style: chr22-29121302-AG-A.
Other names: c.372del (NM_007194.3); c.501delC, p.Phe168Leufs (NM_001005735.3); c.-406delC (NM_001257387.3); c.372delC, p.Phe125Leufs (NM_001349956.3, NM_145862.3); short protein forms F125fs, F168fs.
Identifiers: ClinVar variation 234494 (VCV000234494.17), dbSNP rs876661050, ClinGen allele CA10577639.